The following is an entry in ClinVar:

NM_000052.7(ATP7A):c.4055T>A (p.Val1352Asp)

Gene: ATP7A (ATPase copper transporting alpha; plus strand). Cytogenetic location: Xq21.1.
Variant type: single nucleotide variant.
Coding change: c.4055T>A on transcript NM_000052.7 (MANE Select); coding-DNA position 4055, T replaced by A.
Protein change: p.Val1352Asp; replaces valine 1352 with aspartic acid.
Molecular consequence: missense variant. On other transcripts: non-coding transcript variant (1).
Genome position (GRCh38, 1-based): chrX:78,043,366, T>A. VCF-style: chrX-78043366-T-A. GRCh37 (hg19) VCF-style: chrX-77298864-T-A.
Other names: c.3821T>A, p.Val1274Asp (NM_001282224.2); short protein forms V1274D, V1352D.
Identifiers: ClinVar variation 2947405 (VCV002947405.3), dbSNP rs2522421079, ClinGen allele CA413605569.
Genomic context (GRCh38, chrX:78,043,366, plus strand): 5'-TCTGTTCTTAGAATGATCTTCTGGATGTAGTGGCAAGTATTGACTTATCAAGAAAGACAG[T>A]CAAGAGGATTCGGATAAATTTTGTCTTTGCTCTAATTTATAATCTGGTTGGAATTCCCAT-3'
Protein context (NP_000043.4, residues 1342-1362): VASIDLSRKT[Val1352Asp]KRIRINFVFA

ClinVar aggregate classification (germline): Uncertain significance (1 of 4 stars; one submission).

Conditions:
Menkes kinky-hair syndrome (MNK). Also called: Copper transport disease; Menkes Disease; Classic Menkes Disease. Identifiers: Orphanet 565, MedGen C0022716, MONDO:0010651, OMIM 309400.
Cutis laxa, X-linked (OHS). Also called: EDS IX; Occipital horn syndrome. Identifiers: Orphanet 198, MedGen C0268353, MONDO:0010572, OMIM 304150.
X-linked distal spinal muscular atrophy type 3. Also called: ATP7A-Related Distal Motor Neuropathy; SPINAL MUSCULAR ATROPHY, DISTAL, X-LINKED RECESSIVE; NEURONOPATHY, DISTAL HEREDITARY MOTOR, X-LINKED; NEUROPATHY, DISTAL HEREDITARY MOTOR, X-LINKED. Identifiers: Orphanet 139557, MedGen C1845359, MONDO:0010338, OMIM 300489.

Allele frequency attached by ClinVar (database versions not stated): gnomAD exomes below 0.00001.
gnomAD v4.1: 1 of 1,209,763 alleles (0.000083%); highest among the groups gnomAD compares: Non-Finnish European, 0.00011%; no homozygotes.

Submission:

Labcorp Genetics (formerly Invitae), Labcorp
Classification: Uncertain significance for X-linked distal spinal muscular atrophy type 3; Cutis laxa, X-linked; Menkes kinky-hair syndrome. Last evaluated: 2023-06-19. Review status: criteria provided, single submitter. Criteria: Invitae Variant Classification Sherloc (09022015). Collection method: clinical testing. Allele origin: germline.
Comment: This sequence change replaces valine, which is neutral and non-polar, with aspartic acid, which is acidic and polar, at codon 1352 of the ATP7A protein (p.Val1352Asp). This variant is not present in population databases (gnomAD no frequency). This variant has not been reported in the literature in individuals affected with ATP7A-related conditions. Advanced modeling of protein sequence and biophysical properties (such as structural, functional, and spatial information, amino acid conservation, physicochemical variation, residue mobility, and thermodynamic stability) has been performed at Invitae for this missense variant, however the output from this modeling did not meet the statistical confidence thresholds required to predict the impact of this variant on ATP7A protein function. In summary, the available evidence is currently insufficient to determine the role of this variant in disease. Therefore, it has been classified as a Variant of Uncertain Significance.